The following is an entry in ClinVar:

ClinVar aggregate classification (germline): Pathogenic. Review status: criteria provided, multiple submitters, no conflicts (2 of 4 stars). 3 submissions from 3 submitters: Pathogenic (3). Last evaluated 2022-09-02.

Conditions:
PURA-related severe neonatal hypotonia-seizures-encephalopathy syndrome due to a point mutation. Identifiers: Orphanet 438216, MedGen CN924912, MONDO:0014512.
Inborn genetic diseases. Identifiers: MedGen C0950123, MeSH D030342.
PURA-related severe neonatal hypotonia-seizures-encephalopathy syndrome (NEDRIHF). Also called: PURA-Related Neurodevelopmental Disorders; NEURODEVELOPMENTAL DISORDER WITH NEONATAL RESPIRATORY INSUFFICIENCY, HYPOTONIA, AND FEEDING DIFFICULTIES. Identifiers: Orphanet 438213, Orphanet 438216, MedGen C4015357, MONDO:1060108, OMIM 616158, MONDO:0018580.

Submissions (3):

Victorian Clinical Genetics Services, Murdoch Childrens Research Institute
Classification: Pathogenic for PURA-related severe neonatal hypotonia-seizures-encephalopathy syndrome due to a point mutation. Last evaluated: 2022-09-02. Review status: criteria provided, single submitter. Criteria: ACMG Guidelines, 2015. Collection method: clinical testing. Allele origin: germline. Inheritance: Autosomal dominant inheritance. Affected: yes.
Comment: Based on the classification scheme VCGS_Germline_v1.3.4, this variant is classified as Pathogenic. Following criteria are met: 0102 - Loss of function is likely a mechanism of disease in this gene and is associated with neurodevelopmental disorder with neonatal respiratory insufficiency, hypotonia, and feeding difficulties (MIM#616158; PMID: 28448108). (I) 0107 - This gene is associated with autosomal dominant disease. (I) 0115 - Variants in this gene are known to have variable expressivity (PMID: 29097605). (I) 0204 - Variant is predicted to result in a truncated protein (premature termination codon is NOT located at least 54 nucleotides upstream of the final exon-exon junction) with at least 1/3 of the protein sequence affected. (SP) 0251 - This variant is heterozygous. (I) 0301 - Variant is absent from gnomAD (both v2 and v3). (SP) 0701 - Other downstream truncating variants comparable to the one identified in this case have very strong previous evidence for pathogenicity (DECIPHER). (SP) 0803 - This variant has limited previous evidence of pathogenicity in an unrelated individual. This variant has been classified as pathogenic by a clinical laboratory in ClinVar. (SP) 0905 - No published segregation evidence has been identified for this variant. (I) 1007 - No published functional evidence has been identified for this variant. (SP) Legend: (SP) - Supporting pathogenic, (I) - Information, (SB) - Supporting benign

Laboratory of Medical Genetics, National & Kapodistrian University of Athens
Classification: Pathogenic for PURA-related severe neonatal hypotonia-seizures-encephalopathy syndrome. Last evaluated: 2021-10-05. Review status: criteria provided, single submitter. Criteria: ACMG Guidelines, 2015. Collection method: clinical testing. Allele origin: unknown. Affected: yes.
Comment: PVS1, PM2, PM6

Ambry Genetics
Classification: Pathogenic for Inborn genetic diseases. Last evaluated: 2018-06-20. Review status: criteria provided, single submitter. Criteria: Ambry Variant Classification Scheme 2023. Collection method: clinical testing. Allele origin: germline.
Comment: The c.531delG pathogenic mutation, located in coding exon 1 of the PURA gene, results from a deletion of one nucleotide at nucleotide position 531, causing a translational frameshift with a predicted alternate stop codon (p.P178Lfs*47). This alteration is expected to result in loss of function by premature protein truncation. As such, this alteration is interpreted as a disease-causing mutation.

Literature cited by the submitters: PubMed 28448108 (cited by Victorian Clinical Genetics Services, Murdoch Childrens Research Institute); PubMed 29097605 (cited by Victorian Clinical Genetics Services, Murdoch Childrens Research Institute).

NM_005859.5(PURA):c.531del (p.Pro178fs)

Gene: PURA (purine rich element binding protein A; plus strand). Cytogenetic location: 5q31.3.
Variant type: Deletion.
Coding change: c.531del on transcript NM_005859.5 (MANE Select); coding-DNA position 531, one base deleted (G; older notation c.531delG).
Protein change: p.Pro178fs; shifts the reading frame from proline 178.
Molecular consequence: frameshift variant.
Genome position (GRCh38, 1-based): chr5:140,114,712, G deleted; the last of 5 consecutive G bases (chr5:140,114,708-140,114,712); deleting any one gives the same sequence. VCF-style (leftmost placement, unchanged base first): chr5-140114707-CG-C. GRCh37 (hg19) VCF-style: chr5-139494292-CG-C.
Other names: c.527delG (NM_005859.5); short protein forms P178fs.
Identifiers: ClinVar variation 1299583 (VCV001299583.4), dbSNP rs2126749210, ClinGen allele CA2499217692.